The following is an entry in ClinVar:

NM_000352.6(ABCC8):c.2062T>C (p.Trp688Arg)

Gene: ABCC8 (ATP binding cassette subfamily C member 8; minus strand). Cytogenetic location: 11p15.1.
Variant type: single nucleotide variant.
Coding change: c.2062T>C on transcript NM_000352.6 (MANE Select); coding-DNA position 2062, T replaced by C.
Protein change: p.Trp688Arg; replaces tryptophan 688 with arginine.
Molecular consequence: missense variant. On other transcripts: non-coding transcript variant (1).
Genome position (GRCh38, 1-based): chr11:17,427,921, A>G on the plus strand (T>C on the coding strand, the complement: ABCC8 is on the minus strand). VCF-style: chr11-17427921-A-G. GRCh37 (hg19) VCF-style: chr11-17449468-A-G.
Other names: c.2059T>C, p.Trp687Arg (NM_001351296.2, NM_001351297.2); c.2062T>C, p.Trp688Arg (NM_001287174.3); c.2128T>C, p.Trp710Arg (NM_001351295.2); short protein forms W687R, W688R, W710R.
Identifiers: ClinVar variation 4082427 (VCV004082427.2).
Genomic context (GRCh38, chr11:17,427,921, plus strand): 5'-CCATACCTCGGGGGATACGAATGGTGATGTTGGACAGTGTGGGGATTCCATCTGGGGTCC[A>G]CGTGAAGTAGCCTCCCATGATCTTCATTAGGCGTGTCCCACCGCCCAGGAGAGAACAGAA-3'
Protein context (NP_000343.2, residues 678-698): CVQIMGGYFT[Trp688Arg]TPDGIPTLSN

ClinVar aggregate classification (germline): Uncertain significance (1 of 4 stars; one submission).

Submission:

Genetic Services Laboratory, University of Chicago
Classification: Uncertain significance. Last evaluated: 2024-08-16. Review status: criteria provided, single submitter. Criteria: ACMG Guidelines, 2015. Collection method: clinical testing. Allele origin: germline. Affected: no.
Comment: DNA sequence analysis of the ABCC8 gene demonstrated a sequence change, c.2062T>C, in exon 15 that results in an amino acid change, p.Trp688Arg. This sequence change has been previously described in an individual with permanent neonatal diabetes mellitus (PNDM) along with another previously described sequence change, p.Val324Met in the same gene (PMID: 21544516). It has also been described in other publications in association with PNDM 32376986, 33184150). It has also not been described in population databases such as ExAC and gnomAD. The p.Trp688Arg change affects a highly conserved amino acid residue located in a domain of the ABCC8 protein that is known to be functional. The p.Trp688Arg substitution appears to be deleterious using several in-silico pathogenicity prediction tools (SIFT, Align GVGD, REVEL). Due to insufficient evidences and the lack of functional studies, the clinical significance of the p.Trp688Arg change remains unknown at this time.